The following is an entry in ClinVar:

ClinVar aggregate classification (germline): Uncertain significance (1 of 4 stars; one submission).

Allele frequency attached by ClinVar (database versions not stated): gnomAD exomes 0.00005; gnomAD 0.00007.
gnomAD v4.1: 92 of 1,305,646 alleles (0.007%); highest among the groups gnomAD compares: Non-Finnish European, 0.0088%; no homozygotes.

Submission:

GeneDx
Classification: Uncertain significance. Last evaluated: 2019-04-29. Review status: criteria provided, single submitter. Criteria: GeneDx Variant Classification Process June 2021. Collection method: clinical testing. Allele origin: germline. Affected: yes.
Comment: In silico analysis, which includes protein predictors and evolutionary conservation, supports that this variant does not alter protein structure/function; Has not been previously published as pathogenic or benign to our knowledge

NM_144628.4(TBC1D20):c.67G>T (p.Ala23Ser)

Genes: TBC1D20 (TBC1 domain family member 20; minus strand), LOC130065265 (ATAC-STARR-seq lymphoblastoid silent region 12577; plus strand). Cytogenetic location: 20p13.
Variant type: single nucleotide variant.
Coding change: c.67G>T on transcript NM_144628.4 (MANE Select); coding-DNA position 67, G replaced by T.
Protein change: p.Ala23Ser; replaces alanine 23 with serine.
Molecular consequence: missense variant. On other transcripts: non-coding transcript variant (1).
Genome position (GRCh38, 1-based): chr20:462,339, C>A on the plus strand (G>T on the coding strand, the complement: TBC1D20 is on the minus strand). VCF-style: chr20-462339-C-A. GRCh37 (hg19) VCF-style: chr20-442983-C-A.
Other names: short protein forms A23S.
Identifiers: ClinVar variation 1219869 (VCV001219869.3), dbSNP rs1474090635, ClinGen allele CA407952776.